The following is an entry in ClinVar:

ClinVar aggregate classification (germline): Uncertain significance. Review status: criteria provided, multiple submitters, no conflicts (2 of 4 stars). 2 submissions from 2 submitters: Uncertain significance (2). Last evaluated 2024-05-29.

Conditions:
Zaki syndrome. Also called: MICROCEPHALY, PROGRESSIVE, WITH DEVELOPMENTAL DELAY, CUPPED EARS, AND DYSMORPHIC FEATURES. Identifiers: MedGen C5562037, MONDO:0859209, OMIM 619648.

Allele frequency attached by ClinVar (database versions not stated): ExAC 0.00004.
gnomAD v4.1: 58 of 1,613,664 alleles (0.0036%); highest among the groups gnomAD compares: Non-Finnish European, 0.0043%; no homozygotes.

Submissions (2):

Institute of Human Genetics, University of Leipzig Medical Center
Classification: Uncertain significance for Zaki syndrome. Last evaluated: 2024-05-29. Review status: criteria provided, single submitter. Criteria: ACMG Guidelines, 2015. Collection method: clinical testing. Allele origin: paternal. Inheritance: Autosomal recessive inheritance. Affected: yes.
Comment: Criteria applied: PM2; Identified as compund heterozygous with NM_024911.7:c.971T>C

Ambry Genetics
Classification: Uncertain significance. Last evaluated: 2022-12-15. Review status: criteria provided, single submitter. Criteria: Ambry Variant Classification Scheme 2023. Collection method: clinical testing. Allele origin: germline.

NM_024911.7(WLS):c.1514A>G (p.Asn505Ser)

Genes: GNG12-AS1 (GNG12, DIRAS3 and WLS antisense RNA 1; plus strand), WLS (Wnt ligand secretion mediator; minus strand). Cytogenetic location: 1p31.3.
Variant type: single nucleotide variant.
Coding change: c.1514A>G on transcript NM_024911.7 (MANE Select); coding-DNA position 1514, A replaced by G.
Protein change: p.Asn505Ser; replaces asparagine 505 with serine.
Molecular consequence: missense variant.
Genome position (GRCh38, 1-based): chr1:68,137,782, T>C on the plus strand (A>G on the coding strand, the complement: WLS is on the minus strand). VCF-style: chr1-68137782-T-C. GRCh37 (hg19) VCF-style: chr1-68603465-T-C.
Other names: c.1508A>G, p.Asn503Ser (NM_001002292.4); c.1241A>G, p.Asn414Ser (NM_001193334.1); short protein forms N414S, N503S, N505S.
Identifiers: ClinVar variation 2389247 (VCV002389247.4), dbSNP rs764940216, ClinGen allele CA901591.